The following is an entry in ClinVar:

NM_000070.3(CAPN3):c.240C>G (p.Phe80Leu)

Gene: CAPN3 (calpain 3; plus strand). Cytogenetic location: 15q15.1.
Variant type: single nucleotide variant.
Coding change: c.240C>G on transcript NM_000070.3 (MANE Select); coding-DNA position 240, C replaced by G.
Protein change: p.Phe80Leu; replaces phenylalanine 80 with leucine.
Molecular consequence: missense variant.
Genome position (GRCh38, 1-based): chr15:42,360,045, C>G. VCF-style: chr15-42360045-C-G. GRCh37 (hg19) VCF-style: chr15-42652243-C-G.
Other names: c.240C>G, p.Phe80Leu (NM_024344.2, NM_173087.2); short protein forms F80L.
Identifiers: ClinVar variation 936600 (VCV000936600.12), dbSNP rs2052598737, ClinGen allele CA391994987.
Genomic context (GRCh38, chr15:42,360,045, plus strand): 5'-ATTCGAGCAACTTCACAAGAAATGTCTAGAAAAGAAAGTTCTTTATGTGGACCCTGAGTT[C>G]CCACCGGATGAGACCTCTCTCTTTTATAGCCAGAAGTTCCCCATCCAGTTCGTCTGGAAG-3'
Protein context (NP_000061.1, residues 70-90): EKKVLYVDPE[Phe80Leu]PPDETSLFYS

ClinVar aggregate classification (germline): Conflicting classifications of pathogenicity. Review status: criteria provided, conflicting classifications (1 of 4 stars). 2 submissions from 2 submitters: Likely pathogenic (1); Uncertain significance (1). Last evaluated 2025-04-30.

Conditions:
Autosomal recessive limb-girdle muscular dystrophy. Identifiers: Orphanet 102015, MedGen C2931907, MONDO:0015152.
Autosomal recessive limb-girdle muscular dystrophy type 2A (LGMDR1). Also called: Limb-girdle muscular dystrophy, type 2A; Calpainopathy; LEYDEN-MOEBIUS MUSCULAR DYSTROPHY; MUSCULAR DYSTROPHY, PELVOFEMORAL; Muscular dystrophy, limb-girdle, type 2A, Amish. Identifiers: Orphanet 267, MedGen C1869123, MONDO:0009675, OMIM 253600. Disease mechanism: loss of function.

Submissions (2):

Women's Health and Genetics/Laboratory Corporation of America, LabCorp
Classification: Likely pathogenic for Autosomal recessive limb-girdle muscular dystrophy. Last evaluated: 2025-04-30. Review status: criteria provided, single submitter. Criteria: LabCorp Variant Classification Summary - May 2015. Collection method: clinical testing. Allele origin: germline.
Comment: Variant summary: CAPN3 c.240C>G (p.Phe80Leu) results in a non-conservative amino acid change in the encoded protein sequence. Five of five in-silico tools predict a damaging effect of the variant on protein function. The variant was absent in 249464 control chromosomes. c.240C>G has been observed in multiple compound heterozygous or homozygous individuals affected with Limb-Girdle Muscular Dystrophy, Autosomal Recessive (e.g. Barp_2020, Guglieri_2008). These data indicate that the variant is likely to be associated with disease. To our knowledge, no experimental evidence demonstrating an impact on protein function has been reported. The following publications have been ascertained in the context of this evaluation (PMID: 31555977, 17994539). ClinVar contains an entry for this variant (Variation ID: 936600). Based on the evidence outlined above, the variant was classified as likely pathogenic.

Labcorp Genetics (formerly Invitae), Labcorp
Classification: Uncertain significance for Autosomal recessive limb-girdle muscular dystrophy type 2A. Last evaluated: 2022-06-04. Review status: criteria provided, single submitter. Criteria: Invitae Variant Classification Sherloc (09022015). Collection method: clinical testing. Allele origin: germline.
Comment: In summary, the available evidence is currently insufficient to determine the role of this variant in disease. Therefore, it has been classified as a Variant of Uncertain Significance. Algorithms developed to predict the effect of missense changes on protein structure and function are either unavailable or do not agree on the potential impact of this missense change (SIFT: "Deleterious"; PolyPhen-2: "Probably Damaging"; Align-GVGD: "Class C0"). ClinVar contains an entry for this variant (Variation ID: 936600). This missense change has been observed in individual(s) with limb-girdle muscular dystrophy (PMID: 17994539). This variant is not present in population databases (gnomAD no frequency). This sequence change replaces phenylalanine, which is neutral and non-polar, with leucine, which is neutral and non-polar, at codon 80 of the CAPN3 protein (p.Phe80Leu).

Literature cited by the submitters: PubMed 17994539 (cited by Women's Health and Genetics/Laboratory Corporation of America, LabCorp and Labcorp Genetics (formerly Invitae), Labcorp); PubMed 31555977 (cited by Women's Health and Genetics/Laboratory Corporation of America, LabCorp).